The following is an entry in ClinVar:

NM_001009944.3(PKD1):c.6551_6552del (p.Glu2184fs)

Gene: PKD1 (polycystin 1, transient receptor potential channel interacting; minus strand). Cytogenetic location: 16p13.3.
Variant type: Deletion.
Coding change: c.6551_6552del on transcript NM_001009944.3 (MANE Select); coding-DNA positions 6551 to 6552, 2 bases deleted (AG; older notation c.6551_6552delAG).
Protein change: p.Glu2184fs; shifts the reading frame from glutamic acid 2184.
Molecular consequence: frameshift variant.
Genome position (GRCh38, 1-based): chr16:2,108,615-2,108,616, CT deleted on the plus strand (AG on the coding strand, the reverse complement: PKD1 is on the minus strand); deleting any 2 consecutive bases within chr16:2,108,615-2,108,617 gives the same sequence; the c. name uses the placement nearest the transcript's 3' end. VCF-style (leftmost placement, unchanged base first): chr16-2108614-ACT-A. GRCh37 (hg19) VCF-style: chr16-2158615-ACT-A.
Other names: c.6551_6552del, p.Glu2184fs (NM_000296.4); short protein forms E2184fs.
Identifiers: ClinVar variation 4526505 (VCV004526505.1).

ClinVar aggregate classification (germline): Pathogenic (1 of 4 stars; one submission).

Conditions:
Polycystic kidney disease, adult type (PKD1). Also called: Polycystic Kidney, Autosomal Dominant; POLYCYSTIC KIDNEY DISEASE, ADULT, TYPE I; Polycystic Kidney Disease 1, Autosomal Dominant; Polycystic kidney disease 1; Polycystic kidney disease 1, severe; POLYCYSTIC KIDNEY DISEASE 1 WITH OR WITHOUT POLYCYSTIC LIVER DISEASE. Identifiers: MedGen C3149841, MONDO:0008263, OMIM 173900.

Submission:

MVZ Medizinische Genetik Mainz
Classification: Pathogenic for Polycystic kidney disease, adult type. Last evaluated: 2025-10-01. Review status: criteria provided, single submitter. Criteria: UK Practice Guidelines For Variant Classification V4 01 2020. Collection method: clinical testing. Allele origin: germline. Inheritance: Autosomal dominant inheritance. Affected: yes. Observed: 1 variant allele.
Comment: ACMG Criteria: PVS1,PM2_SUP,PP4